The following is an entry in ClinVar:

NM_001363711.2(DUOX2):c.883-20C>A

Gene: DUOX2 (dual oxidase 2; minus strand). Cytogenetic location: 15q21.1.
Variant type: single nucleotide variant.
Coding change: c.883-20C>A on transcript NM_001363711.2 (MANE Select); 20 bases into the intron before coding-DNA position 883, C replaced by A.
Molecular consequence: intron variant.
Genome position (GRCh38, 1-based): chr15:45,110,730, G>T on the plus strand (C>A on the coding strand, the complement: DUOX2 is on the minus strand). VCF-style: chr15-45110730-G-T. GRCh37 (hg19) VCF-style: chr15-45402928-G-T.
Other names: c.883-20C>A (NM_014080.5).
Identifiers: ClinVar variation 1997694 (VCV001997694.4), dbSNP rs745738379, ClinGen allele CA2580089669.
Genomic context (GRCh38, chr15:45,110,730, plus strand): 5'-TTCTGCAGGAAGCTGGGCAGCCACTCATACACAGCGATGTTCTGAGGGGCAGAGAGGGGC[G>T]AGGGGAGGCACAAGTTGGATGGTGTGGGGCCTGGAAGGGTCTGAGCCCAAGGACGGCTTC-3'

ClinVar aggregate classification (germline): Uncertain significance (1 of 4 stars; one submission).

gnomAD v4.1: 4 of 1,612,056 alleles (0.00025%); highest among the groups gnomAD compares: East Asian, 0.0045%; no homozygotes.

Submission:

Labcorp Genetics (formerly Invitae), Labcorp
Classification: Uncertain significance. Last evaluated: 2023-08-17. Review status: criteria provided, single submitter. Criteria: Invitae Variant Classification Sherloc (09022015). Collection method: clinical testing. Allele origin: germline.
Comment: In summary, the available evidence is currently insufficient to determine the role of this variant in disease. Therefore, it has been classified as a Variant of Uncertain Significance. This sequence change falls in intron 7 of the DUOX2 gene. It does not directly change the encoded amino acid sequence of the DUOX2 protein. This variant is not present in population databases (gnomAD no frequency). This variant has not been reported in the literature in individuals affected with DUOX2-related conditions. ClinVar contains an entry for this variant (Variation ID: 1997694). Algorithms developed to predict the effect of sequence changes on RNA splicing suggest that this variant may disrupt the consensus splice site.